The following is an entry in ClinVar:

NM_006946.4(SPTBN2):c.93G>A (p.Ser31=)

Gene: SPTBN2 (spectrin beta, non-erythrocytic 2; minus strand). Cytogenetic location: 11q13.2.
Variant type: single nucleotide variant.
Coding change: c.93G>A on transcript NM_006946.4 (MANE Select); coding-DNA position 93, G replaced by A.
Protein change: p.Ser31=; no amino-acid change (serine 31 retained).
Molecular consequence: synonymous variant.
Genome position (GRCh38, 1-based): chr11:66,721,148, C>T on the plus strand (G>A on the coding strand, the complement: SPTBN2 is on the minus strand). VCF-style: chr11-66721148-C-T. GRCh37 (hg19) VCF-style: chr11-66488619-C-T.
Identifiers: ClinVar variation 2081404 (VCV002081404.6), dbSNP rs750767180, ClinGen allele CA6129775.

ClinVar aggregate classification (germline): Likely benign. Review status: criteria provided, multiple submitters, no conflicts (2 of 4 stars). 2 submissions from 2 submitters: Likely benign (2). Last evaluated 2026-05-01.

Allele frequency attached by ClinVar (database versions not stated): gnomAD 0.00001; ExAC 0.00003.
gnomAD v4.1: 92 of 1,614,170 alleles (0.0057%); highest among the groups gnomAD compares: Non-Finnish European, 0.0069%; no homozygotes.

Submissions (2):

CeGaT Center for Human Genetics Tuebingen
Classification: Likely benign. Last evaluated: 2026-05-01. Review status: criteria provided, single submitter. Criteria: CeGaT Center For Human Genetics Tuebingen Variant Classification Criteria Version 2. Collection method: clinical testing. Allele origin: germline. Affected: yes. Observed: 1 variant allele.
Comment: SPTBN2: BP4, BP7

Labcorp Genetics (formerly Invitae), Labcorp
Classification: Likely benign. Last evaluated: 2023-11-13. Review status: criteria provided, single submitter. Criteria: Invitae Variant Classification Sherloc (09022015). Collection method: clinical testing. Allele origin: germline.